The following is an entry in ClinVar:

NC_000010.11:g.(?_88989499)_(89247668_?)del

Genes: ACTA2 (actin alpha 2, smooth muscle; minus strand), CH25H (cholesterol 25-hydroxylase; minus strand), FAS (Fas cell surface death receptor; plus strand), FAS-AS1 (FAS antisense RNA 1; minus strand), LIPA (lipase A, lysosomal acid type; minus strand). Cytogenetic location: 10q23.31.
Variant type: Deletion.
Identifiers: ClinVar variation 831277 (VCV000831277.1).

ClinVar aggregate classification (germline): Pathogenic (1 of 4 stars; one submission).

Conditions:
Autoimmune lymphoproliferative syndrome type 1. Also called: AUTOIMMUNE LYMPHOPROLIFERATIVE SYNDROME, TYPE I, AUTOSOMAL DOMINANT. Identifiers: Orphanet 3261, MedGen C2717884, MONDO:0011158, OMIM 601859.

Submission:

Labcorp Genetics (formerly Invitae), Labcorp
Classification: Pathogenic for Autoimmune lymphoproliferative syndrome. Last evaluated: 2019-05-05. Review status: criteria provided, single submitter. Criteria: Invitae Variant Classification Sherloc (09022015). Collection method: clinical testing. Allele origin: germline.
Comment: A gross deletion of the genomic region encompassing the full coding sequence of the FAS gene has been identified. The boundaries of this event are unknown as the deletion extends beyond the assayed region for this gene and therefore may encompass additional genes. This variant has not been reported in the literature in individuals with FAS-related conditions. Loss-of-function variants in FAS are known to be pathogenic (PMID: 10875918, 22237435). For these reasons, this variant has been classified as Pathogenic.